The following is an entry in ClinVar:

NM_001232.4(CASQ2):c.1132GAT[4] (p.Asp382_Asp383del)

Gene: CASQ2 (calsequestrin 2; minus strand). Cytogenetic location: 1p13.1.
Variant type: Microsatellite.
Coding change: c.1132GAT[4] on transcript NM_001232.4 (MANE Select); four copies in a row of the 3-base unit GAT starting at c.1132; the reference has six copies in a row; two copies, 6 bases deleted.
Protein change: p.Asp382_Asp383del.
Molecular consequence: inframe deletion.
Genome position (GRCh38, 1-based): chr1:115,701,292-115,701,297, ATCATC deleted on the plus strand (GATGAT on the coding strand, the reverse complement: CASQ2 is on the minus strand); deleting any 6 consecutive bases within chr1:115,701,292-115,701,309 gives the same sequence; the position shown is the placement nearest the transcript's 3' end. VCF-style (leftmost placement, unchanged base first): chr1-115701291-TATCATC-T. GRCh37 (hg19) VCF-style: chr1-116243912-TATCATC-T.
Identifiers: ClinVar variation 2160236 (VCV002160236.1), dbSNP rs72554069, ClinGen allele CA419894843.

ClinVar aggregate classification (germline): Uncertain significance (1 of 4 stars; one submission).

Conditions:
Catecholaminergic polymorphic ventricular tachycardia 1. Also called: VENTRICULAR TACHYCARDIA, CATECHOLAMINERGIC POLYMORPHIC, 1, WITH OR WITHOUT ATRIAL DYSFUNCTION AND/OR DILATED CARDIOMYOPATHY; RYR2-Related Catecholaminergic Polymorphic Ventricular Tachycardia; VENTRICULAR TACHYCARDIA, STRESS-INDUCED POLYMORPHIC 1. Identifiers: Orphanet 3286, MedGen C1631597, MONDO:0011484, OMIM 604772.

Submission:

Labcorp Genetics (formerly Invitae), Labcorp
Classification: Uncertain significance for Catecholaminergic polymorphic ventricular tachycardia 1. Last evaluated: 2022-07-12. Review status: criteria provided, single submitter. Criteria: Invitae Variant Classification Sherloc (09022015). Collection method: clinical testing. Allele origin: germline.
Comment: This variant, c.1144_1149del, results in the deletion of 2 amino acid(s) of the CASQ2 protein (p.Asp382_Asp383del), but otherwise preserves the integrity of the reading frame. The frequency data for this variant in the population databases is considered unreliable, as metrics indicate poor data quality at this position in the gnomAD database. This variant has not been reported in the literature in individuals affected with CASQ2-related conditions. Experimental studies and prediction algorithms are not available or were not evaluated, and the functional significance of this variant is currently unknown. In summary, the available evidence is currently insufficient to determine the role of this variant in disease. Therefore, it has been classified as a Variant of Uncertain Significance.